The following is an entry in ClinVar:

ClinVar aggregate classification (germline): Uncertain significance. Review status: criteria provided, multiple submitters, no conflicts (2 of 4 stars). 2 submissions from 2 submitters: Uncertain significance (2). Last evaluated 2025-07-14.

Conditions:
Rienhoff syndrome. Also called: LOEYS-DIETZ SYNDROME 5. Identifiers: MedGen C3810012, MONDO:0014262, OMIM 615582.
Familial thoracic aortic aneurysm and aortic dissection (TAAD). Also called: Thoracic aortic aneurysms and dissections. Identifiers: Orphanet 91387, MedGen C4707243, MONDO:0019625.

Allele frequency attached by ClinVar (database versions not stated): gnomAD 0.00001; gnomAD exomes 0.00001; TOPMed 0.00001.
gnomAD v4.1: 6 of 1,614,002 alleles (0.00037%); highest among the groups gnomAD compares: East Asian, 0.0022%; no homozygotes.

Submissions (2):

Ambry Genetics
Classification: Uncertain significance for Familial thoracic aortic aneurysm and aortic dissection. Last evaluated: 2025-07-14. Review status: criteria provided, single submitter. Criteria: Ambry Variant Classification Scheme 2023. Collection method: clinical testing. Allele origin: germline.
Comment: The p.R175W variant (also known as c.523C>T), located in coding exon 3 of the TGFB3 gene, results from a C to T substitution at nucleotide position 523. The arginine at codon 175 is replaced by tryptophan, an amino acid with dissimilar properties. This amino acid position is not well conserved in available vertebrate species. In addition, this alteration is predicted to be tolerated by in silico analysis. Based on the available evidence, the clinical significance of this variant remains unclear.

Labcorp Genetics (formerly Invitae), Labcorp
Classification: Uncertain significance for Rienhoff syndrome. Last evaluated: 2025-06-27. Review status: criteria provided, single submitter. Criteria: Invitae Variant Classification Sherloc (09022015). Collection method: clinical testing. Allele origin: germline.
Comment: This sequence change replaces arginine, which is basic and polar, with tryptophan, which is neutral and slightly polar, at codon 175 of the TGFB3 protein (p.Arg175Trp). This variant is not present in population databases (gnomAD no frequency). This variant has not been reported in the literature in individuals affected with TGFB3-related conditions. ClinVar contains an entry for this variant (Variation ID: 2178440). Invitae Evidence Modeling of protein sequence and biophysical properties (such as structural, functional, and spatial information, amino acid conservation, physicochemical variation, residue mobility, and thermodynamic stability) indicates that this missense variant is not expected to disrupt TGFB3 protein function with a negative predictive value of 80%. In summary, the available evidence is currently insufficient to determine the role of this variant in disease. Therefore, it has been classified as a Variant of Uncertain Significance.

NM_003239.5(TGFB3):c.523C>T (p.Arg175Trp)

Gene: TGFB3 (transforming growth factor beta 3; minus strand). Cytogenetic location: 14q24.3.
Variant type: single nucleotide variant.
Coding change: c.523C>T on transcript NM_003239.5 (MANE Select); coding-DNA position 523, C replaced by T.
Protein change: p.Arg175Trp; replaces arginine 175 with tryptophan.
Molecular consequence: missense variant.
Genome position (GRCh38, 1-based): chr14:75,971,249, G>A on the plus strand (C>T on the coding strand, the complement: TGFB3 is on the minus strand). VCF-style: chr14-75971249-G-A. GRCh37 (hg19) VCF-style: chr14-76437592-G-A.
Other names: c.523C>T, p.Arg175Trp (NM_001329938.2, NM_001329939.2); short protein forms R175W.
Identifiers: ClinVar variation 2178440 (VCV002178440.5), dbSNP rs958240577, ClinGen allele CA263706725.